The following is an entry in ClinVar:

ClinVar aggregate classification (germline): Pathogenic (1 of 4 stars; one submission).

Conditions:
Combined deficiency of sialidase AND beta galactosidase (GSL). Also called: PPCA DEFICIENCY; PROTECTIVE PROTEIN/CATHEPSIN A DEFICIENCY; Galactosialidosis; CATHEPSIN A DEFICIENCY; GOLDBERG SYNDROME; NEURAMINIDASE DEFICIENCY WITH BETA-GALACTOSIDASE DEFICIENCY. Identifiers: Orphanet 351, MedGen C0268233, MONDO:0009737, OMIM 256540.

Submission:

Labcorp Genetics (formerly Invitae), Labcorp
Classification: Pathogenic for Combined deficiency of sialidase AND beta galactosidase. Last evaluated: 2023-08-17. Review status: criteria provided, single submitter. Criteria: Invitae Variant Classification Sherloc (09022015). Collection method: clinical testing. Allele origin: germline.
Comment: This variant is not present in population databases (gnomAD no frequency). This sequence change creates a premature translational stop signal (p.Glu173*) in the CTSA gene. It is expected to result in an absent or disrupted protein product. Loss-of-function variants in CTSA are known to be pathogenic (PMID: 15110321, 23915561). This variant has not been reported in the literature in individuals affected with CTSA-related conditions. For these reasons, this variant has been classified as Pathogenic.

Literature cited by the submitters: PubMed 15110321; PubMed 23915561.

NM_000308.4(CTSA):c.463G>T (p.Glu155Ter)

Gene: CTSA (cathepsin A; plus strand). Cytogenetic location: 20q13.12.
Variant type: single nucleotide variant.
Coding change: c.463G>T on transcript NM_000308.4 (MANE Select); coding-DNA position 463, G replaced by T.
Protein change: p.Glu155Ter; replaces glutamic acid 155 with a stop codon.
Molecular consequence: nonsense. On other transcripts: non-coding transcript variant (1).
Genome position (GRCh38, 1-based): chr20:45,892,743, G>T. VCF-style: chr20-45892743-G-T. GRCh37 (hg19) VCF-style: chr20-44521382-G-T.
Other names: c.463G>T, p.Glu155Ter (NM_001127695.3); c.412G>T, p.Glu138Ter (NM_001167594.3); short protein forms E138*, E155*.
Identifiers: ClinVar variation 2753341 (VCV002753341.3), dbSNP rs772210495, ClinGen allele CA409249090.